The following is an entry in ClinVar:

ClinVar aggregate classification (germline): Uncertain significance (1 of 4 stars; one submission).

Conditions:
Fanconi anemia (FA). Also called: Fanconi's anemia. Identifiers: Orphanet 84, MedGen C0015625, MeSH D005199, MONDO:0019391.

Allele frequency attached by ClinVar (database versions not stated): gnomAD exomes below 0.00001; gnomAD 0.00001; TOPMed 0.00001.
gnomAD v4.1: 3 of 1,605,096 alleles (0.00019%); highest among the groups gnomAD compares: African/African-American, 0.004%; no homozygotes.

Submission:

Labcorp Genetics (formerly Invitae), Labcorp
Classification: Uncertain significance for Fanconi anemia. Last evaluated: 2023-11-01. Review status: criteria provided, single submitter. Criteria: Invitae Variant Classification Sherloc (09022015). Collection method: clinical testing. Allele origin: germline.
Comment: This sequence change falls in intron 5 of the FANCC gene. It does not directly change the encoded amino acid sequence of the FANCC protein. This variant is not present in population databases (gnomAD no frequency). This variant has not been reported in the literature in individuals affected with FANCC-related conditions. Algorithms developed to predict the effect of sequence changes on RNA splicing suggest that this variant may disrupt the consensus splice site. In summary, the available evidence is currently insufficient to determine the role of this variant in disease. Therefore, it has been classified as a Variant of Uncertain Significance.

NM_000136.3(FANCC):c.457-16T>A

Gene: FANCC (FA complementation group C; minus strand). Cytogenetic location: 9q22.32.
Variant type: single nucleotide variant.
Coding change: c.457-16T>A on transcript NM_000136.3 (MANE Select); 16 bases into the intron before coding-DNA position 457, T replaced by A.
Molecular consequence: intron variant.
Genome position (GRCh38, 1-based): chr9:95,171,159, A>T on the plus strand (T>A on the coding strand, the complement: FANCC is on the minus strand). VCF-style: chr9-95171159-A-T. GRCh37 (hg19) VCF-style: chr9-97933441-A-T.
Other names: c.457-16T>A (NM_001243743.2, NM_001243744.2).
Identifiers: ClinVar variation 2731792 (VCV002731792.3), dbSNP rs1336993197, ClinGen allele CA589489207.
Genomic context (GRCh38, chr9:95,171,159, plus strand): 5'-ATTAAGATGATTCTCTCTGAGTTCAGACGCTAATGATAAAACCATCTGTAAAACAAAATC[A>T]GTTGCAGGTTAACTCACGCTGCAAACAGGATTACATCAGTTCTATTTTTCTTGGTGTGAG-3'